The following is an entry in ClinVar:

NM_000829.4(GRIA4):c.64G>T (p.Ala22Ser)

Genes: GRIA4 (glutamate ionotropic receptor AMPA type subunit 4; plus strand), LOC129390350 (MPRA-validated peak1445 silencer; plus strand). Cytogenetic location: 11q22.3.
Variant type: single nucleotide variant.
Coding change: c.64G>T on transcript NM_000829.4 (MANE Select); coding-DNA position 64, G replaced by T.
Protein change: p.Ala22Ser; replaces alanine 22 with serine.
Molecular consequence: missense variant. On other transcripts: non-coding transcript variant (1).
Genome position (GRCh38, 1-based): chr11:105,611,061, G>T. VCF-style: chr11-105611061-G-T. GRCh37 (hg19) VCF-style: chr11-105481788-G-T.
Other names: c.64G>T, p.Ala22Ser (NM_001440397.1, NM_001440398.1, NM_001440399.1 and 20 more transcripts); short protein forms A22S.
Identifiers: ClinVar variation 4882577 (VCV004882577.2).

ClinVar aggregate classification (germline): Uncertain significance (1 of 4 stars; one submission).

Conditions:
Neurodevelopmental disorder with or without seizures and gait abnormalities. Identifiers: MedGen C4693391, MONDO:0060641, OMIM 617864.

Submission:

Dasa
Classification: Uncertain significance for neurodevelopmental disorder with or without seizures and gait abnormalities. Last evaluated: 2025-06-20. Review status: criteria provided, single submitter. Criteria: DASA Assertion Criteria. Collection method: clinical testing. Allele origin: germline.
Comment: NM_000829.4(GRIA4):c.64G>T (p.Ala22Ser) is a missense variant that results in the substitution of alanine with serine. This variant is absent from population databases. Computational prediction algorithms are consistent with a benign effect. The currently available literature and clinical evidence are not sufficient to establish a definitive association between this variant and the reported condition. Therefore, this variant is classified as a variant of uncertain significance.